The following is an entry in ClinVar:

NM_000384.3(APOB):c.3780G>T (p.Glu1260Asp)

Gene: APOB (apolipoprotein B; minus strand). Cytogenetic location: 2p24.1.
Variant type: single nucleotide variant.
Coding change: c.3780G>T on transcript NM_000384.3 (MANE Select); coding-DNA position 3780, G replaced by T.
Protein change: p.Glu1260Asp; replaces glutamic acid 1260 with aspartic acid.
Molecular consequence: missense variant.
Genome position (GRCh38, 1-based): chr2:21,014,510, C>A on the plus strand (G>T on the coding strand, the complement: APOB is on the minus strand). VCF-style: chr2-21014510-C-A. GRCh37 (hg19) VCF-style: chr2-21237382-C-A.
Other names: short protein forms E1260D.
Identifiers: ClinVar variation 3308076 (VCV003308076.1).
Genomic context (GRCh38, chr2:21,014,510, plus strand): 5'-TTTTAAGAAGAGGTTTTCTGGGATGTGGAAGTCTGGCAATCCCATGTTCTGGAGGTTGAA[C>A]TCCTTCAGGCTATTGAGGTGGTCTTGCAAAGTCTGGGTATAAGGAAGACTCCCAGATGCC-3'
Protein context (NP_000375.3, residues 1250-1270): TLQDHLNSLK[Glu1260Asp]FNLQNMGLPD

ClinVar aggregate classification (germline): Uncertain significance (1 of 4 stars; one submission).

Conditions:
Cardiovascular phenotype. Identifiers: MedGen CN230736.

gnomAD v4.1: 2 of 1,613,986 alleles (0.00012%); highest among the groups gnomAD compares: African/African-American, 0.0027%; no homozygotes.

Submission:

Ambry Genetics
Classification: Uncertain significance for Cardiovascular phenotype. Last evaluated: 2024-06-14. Review status: criteria provided, single submitter. Criteria: Ambry Variant Classification Scheme 2023. Collection method: clinical testing. Allele origin: germline.
Comment: The p.E1260D variant (also known as c.3780G>T), located in coding exon 24 of the APOB gene, results from a G to T substitution at nucleotide position 3780. The glutamic acid at codon 1260 is replaced by aspartic acid, an amino acid with highly similar properties. This amino acid position is conserved. In addition, this alteration is predicted to be tolerated by in silico analysis. Based on the available evidence, the clinical significance of this variant remains unclear.